The following is an entry in ClinVar:

ClinVar aggregate classification (germline): Uncertain significance (1 of 4 stars; one submission).

Allele frequency attached by ClinVar (database versions not stated): gnomAD 0.00001; TOPMed 0.00001; ESP Exome Variant Server 0.00008.
gnomAD v4.1: 1 of 1,614,078 alleles (0.000062%); highest among the groups gnomAD compares: Non-Finnish European, 0.000085%; no homozygotes.

Submission:

Labcorp Genetics (formerly Invitae), Labcorp
Classification: Uncertain significance. Last evaluated: 2021-04-04. Review status: criteria provided, single submitter. Criteria: Invitae Variant Classification Sherloc (09022015). Collection method: clinical testing. Allele origin: germline.
Comment: In summary, the available evidence is currently insufficient to determine the role of this variant in disease. Therefore, it has been classified as a Variant of Uncertain Significance. Algorithms developed to predict the effect of sequence changes on RNA splicing suggest that this variant may disrupt the consensus splice site, but this prediction has not been confirmed by published transcriptional studies. This variant has not been reported in the literature in individuals with KIF20A-related conditions. This variant is not present in population databases (ExAC no frequency). This sequence change affects codon 506 of the KIF20A mRNA. It is a 'silent' change, meaning that it does not change the encoded amino acid sequence of the KIF20A protein.

NM_005733.3(KIF20A):c.1518G>A (p.Gln506=)

Gene: KIF20A (kinesin family member 20A; plus strand). Cytogenetic location: 5q31.2.
Variant type: single nucleotide variant.
Coding change: c.1518G>A on transcript NM_005733.3 (MANE Select); coding-DNA position 1518, G replaced by A.
Protein change: p.Gln506=; no amino-acid change (glutamine 506 retained).
Molecular consequence: synonymous variant.
Genome position (GRCh38, 1-based): chr5:138,184,404, G>A. VCF-style: chr5-138184404-G-A. GRCh37 (hg19) VCF-style: chr5-137520093-G-A.
Identifiers: ClinVar variation 1484546 (VCV001484546.8), dbSNP rs369666761, ClinGen allele CA128186140.
Genomic context (GRCh38, chr5:138,184,404, plus strand): 5'-CTGTGCATCTACCTATGATGAAACTCTTCATGTGGCCAAGTTCTCAGCCATTGCTAGCCA[G>A]GTGAGAAGCTAGAGGTGTGATGGGTGTGCGCACTTGGAACTGGTAACTCTAAGAAAGCTC-3'
Protein context (NP_005724.1, residues 496-516): HVAKFSAIAS[Gln506=]LVHAPPMQLG